The following is an entry in ClinVar:

ClinVar aggregate classification (germline): Likely benign. Review status: criteria provided, multiple submitters, no conflicts (2 of 4 stars). 5 submissions from 5 submitters: Likely benign (5). Last evaluated 2026-02-02.

Conditions:
Tuberous sclerosis syndrome (TSC). Also called: Tuberous Sclerosis Complex; Tuberous sclerosis. Identifiers: Orphanet 805, MedGen C0041341, MONDO:0001734.
Tuberous sclerosis 1 (TSC1). Identifiers: Orphanet 805, MedGen C1854465, MONDO:0008612, OMIM 191100.
Cleft palate. Identifiers: Orphanet 2014, MedGen C2981150, MONDO:0016064, HP:0000175.
Hereditary cancer-predisposing syndrome. Also called: Hereditary neoplastic syndrome; Neoplastic Syndromes, Hereditary; Tumor predisposition; Hereditary Cancer Syndrome. Identifiers: Orphanet 140162, MedGen C0027672, MeSH D009386, MONDO:0015356.

Allele frequency attached by ClinVar (database versions not stated): TOPMed 0.00001; ExAC 0.00002; gnomAD exomes 0.00002.
gnomAD v4.1: 24 of 1,614,076 alleles (0.0015%); highest among the groups gnomAD compares: Non-Finnish European, 0.0019%; no homozygotes.

Submissions (5):

Labcorp Genetics (formerly Invitae), Labcorp
Classification: Likely benign for Tuberous sclerosis 1. Last evaluated: 2026-02-02. Review status: criteria provided, single submitter. Criteria: Invitae Variant Classification Sherloc (09022015). Collection method: clinical testing. Allele origin: germline.

Myriad Genetics, Inc.
Classification: Likely benign for Tuberous sclerosis 1. Last evaluated: 2025-04-08. Review status: criteria provided, single submitter. Criteria: Myriad Autosomal Dominant, Autosomal Recessive and X-Linked Classification Criteria (2023). Collection method: clinical testing. Allele origin: unknown.
Comment: This variant is considered likely benign. This variant is intronic and is not expected to impact mRNA splicing.

All of Us Research Program, National Institutes of Health
Classification: Likely benign for Tuberous sclerosis syndrome. Last evaluated: 2023-05-04. Review status: criteria provided, single submitter. Criteria: ACMG Guidelines, 2015. Collection method: clinical testing. Allele origin: germline. Inheritance: Autosomal dominant inheritance. Observed: 1 variant allele, 1 heterozygote.
Comment: This study involves interpretation of variants in research participants for the purpose of population health screening. Participant phenotype was not available at the time of variant classification. Additional details can be found in publication PMID: 35346344, PMCID: PMC8962531

Sema4
Classification: Likely benign for Hereditary cancer-predisposing syndrome. Last evaluated: 2022-03-10. Review status: criteria provided, single submitter. Criteria: Sema4 Curation Guidelines. Collection method: curation. Allele origin: germline.

Cambridge Genomics Laboratory, East Genomic Laboratory Hub, NHS Genomic Medicine Service
Classification: Likely benign for Cleft palate. Last evaluated: 2020-04-29. Review status: criteria provided, single submitter. Criteria: ACGS Best Practice Guidelines for Variant Classification in Rare Disease 2020. Collection method: clinical testing. Allele origin: germline. Affected: yes. Observed: 1 variant allele.

NM_000368.5(TSC1):c.364-7C>T

Gene: TSC1 (TSC complex subunit 1; minus strand). Cytogenetic location: 9q34.13.
Variant type: single nucleotide variant.
Coding change: c.364-7C>T on transcript NM_000368.5 (MANE Select); 7 bases into the intron before coding-DNA position 364, C replaced by T.
Molecular consequence: intron variant.
Genome position (GRCh38, 1-based): chr9:132,923,499, G>A on the plus strand (C>T on the coding strand, the complement: TSC1 is on the minus strand). VCF-style: chr9-132923499-G-A. GRCh37 (hg19) VCF-style: chr9-135798886-G-A.
Other names: c.1-7C>T (NM_001362177.2); c.211-7C>T (NM_001162427.2); c.364-7C>T (NM_001162426.2).
Identifiers: ClinVar variation 466140 (VCV000466140.16), dbSNP rs775465260, ClinGen allele CA037288.